The following is an entry in ClinVar:

ClinVar aggregate classification (germline): Uncertain significance. Review status: criteria provided, multiple submitters, no conflicts (2 of 4 stars). 6 submissions from 6 submitters: Uncertain significance (6). Last evaluated 2025-10-03.

Conditions:
Bardet-Biedl syndrome 1 (BBS1). Identifiers: MedGen C2936862, MONDO:0008854, OMIM 209900. Disease mechanism: loss of function.
Retinal dystrophy. Also called: Inherited retinal dystrophy. Identifiers: Orphanet 71862, MedGen C0854723, MeSH D058499, MONDO:0019118, HP:0000556.
Bardet-Biedl syndrome (BBS). Identifiers: Orphanet 110, MedGen C0752166, MONDO:0015229.

Allele frequency attached by ClinVar (database versions not stated): ExAC 0.00001; gnomAD exomes below 0.00001; TOPMed 0.00002; gnomAD 0.00001.
gnomAD v4.1: 8 of 1,614,114 alleles (0.0005%); highest among the groups gnomAD compares: East Asian, 0.016%; no homozygotes.

Submissions (6):

Labcorp Genetics (formerly Invitae), Labcorp
Classification: Uncertain significance for Bardet-Biedl syndrome. Last evaluated: 2025-10-03. Review status: criteria provided, single submitter. Criteria: Invitae Variant Classification Sherloc (09022015). Collection method: clinical testing. Allele origin: germline.
Comment: This sequence change replaces threonine, which is neutral and polar, with serine, which is neutral and polar, at codon 374 of the BBS1 protein (p.Thr374Ser). This variant is present in population databases (rs759275651, gnomAD 0.01%). This missense change has been observed in individual(s) with clinical features of Bardet Biedl syndrome and/or retinitis pigmentosa (PMID: 30076350, 31213501). ClinVar contains an entry for this variant (Variation ID: 1334166). Invitae Evidence Modeling of protein sequence and biophysical properties (such as structural, functional, and spatial information, amino acid conservation, physicochemical variation, residue mobility, and thermodynamic stability) has been performed for this missense variant. However, the output from this modeling did not meet the statistical confidence thresholds required to predict the impact of this variant on BBS1 protein function. In summary, the available evidence is currently insufficient to determine the role of this variant in disease. Therefore, it has been classified as a Variant of Uncertain Significance.

Blueprint Genetics
Classification: Uncertain significance. Last evaluated: 2024-10-23. Review status: criteria provided, single submitter. Criteria: ACMG Guidelines, 2015. Collection method: clinical testing. Allele origin: germline.

Fulgent Genetics
Classification: Uncertain significance for Bardet-Biedl syndrome 1. Last evaluated: 2024-06-18. Review status: criteria provided, single submitter. Criteria: ACMG Guidelines, 2015. Collection method: clinical testing. Allele origin: germline.

Women's Health and Genetics/Laboratory Corporation of America, LabCorp
Classification: Uncertain significance. Last evaluated: 2023-12-15. Review status: criteria provided, single submitter. Criteria: LabCorp Variant Classification Summary - May 2015. Collection method: clinical testing. Allele origin: germline.
Comment: Variant summary: BBS1 c.1121C>G (p.Thr374Ser) results in a conservative amino acid change in the encoded protein sequence. Three of five in-silico tools predict a damaging effect of the variant on protein function. The variant allele was found at a frequency of 4e-06 in 251478 control chromosomes. The available data on variant occurrences in the general population are insufficient to allow any conclusion about variant significance. c.1121C>G has been reported in the literature in at least one individual affected with Bardet-Biedl Syndrome 1 and at least one individual affected with retinitis pigmentosa (e.g. Sun_2018, Koyanagi_2019). These reports do not provide unequivocal conclusions about association of the variant with Bardet-Biedl Syndrome. To our knowledge, no experimental evidence demonstrating an impact on protein function has been reported. The following publications have been ascertained in the context of this evaluation (PMID: 30076350, 31213501). One submitter has cited clinical-significance assessments for this variant to ClinVar after 2014 and has classified the variant as uncertain significance. Based on the evidence outlined above, the variant was classified as uncertain significance.

Dept Of Ophthalmology, Nagoya University
Classification: Uncertain significance for Retinal dystrophy. Last evaluated: 2023-10-01. Review status: criteria provided, single submitter. Criteria: Submitter's publication. Collection method: research. Allele origin: germline. Affected: yes.

Myriad Genetics, Inc.
Classification: Uncertain significance for Bardet-Biedl syndrome 1. Last evaluated: 2021-11-10. Review status: criteria provided, single submitter. Criteria: Myriad Women's Health Autosomal Recessive and X-Linked Classification Criteria (2021). Collection method: clinical testing. Allele origin: unknown.
Comment: NM_024649.4(BBS1):c.1121C>G(T374S) is a missense variant classified as a variant of uncertain significance in the context of Bardet-Biedl syndrome, BBS1-related. T374S has been observed in cases with relevant disease (PMID: 30076350). Functional assessments of this variant are not available in the literature. T374S has been observed in population frequency databases (gnomAD: EAS 0.005%). In summary, there is insufficient evidence to classify NM_024649.4(BBS1):c.1121C>G(T374S) as pathogenic or benign. Please note: this variant was assessed in the context of healthy population screening.

Literature cited by the submitters: PubMed 30076350 (cited by 3 submitters); PubMed 31213501 (cited by Labcorp Genetics (formerly Invitae), Labcorp and Women's Health and Genetics/Laboratory Corporation of America, LabCorp).

NM_024649.5(BBS1):c.1121C>G (p.Thr374Ser)

Genes: BBS1 (Bardet-Biedl syndrome 1; plus strand), ZDHHC24 (zDHHC palmitoyltransferase 24; minus strand). Cytogenetic location: 11q13.2.
Variant type: single nucleotide variant.
Coding change: c.1121C>G on transcript NM_024649.5 (MANE Select); coding-DNA position 1121, C replaced by G.
Protein change: p.Thr374Ser; replaces threonine 374 with serine.
Molecular consequence: missense variant. On other transcripts: intron variant (1).
Genome position (GRCh38, 1-based): chr11:66,526,133, C>G. VCF-style: chr11-66526133-C-G. GRCh37 (hg19) VCF-style: chr11-66293604-C-G.
Other names: c.*21+803G>C (NM_001348571.2); short protein forms T374S.
Identifiers: ClinVar variation 1334166 (VCV001334166.9), dbSNP rs759275651, ClinGen allele CA6123633.